The following is an entry in ClinVar:

ClinVar aggregate classification (germline): Uncertain significance (1 of 4 stars; one submission).

Conditions:
ENG-related disorder. Also called: ENG-related condition; ENG-related disorders.

Submission:

PreventionGenetics, part of Exact Sciences
Classification: Uncertain significance for ENG-related condition. Last evaluated: 2026-04-04. Review status: criteria provided, single submitter. Criteria: ACMG Guidelines, 2015. Collection method: clinical testing. Allele origin: germline.
Comment: The ENG c.1086G>T variant is predicted to result in the amino acid substitution p.Lys362Asn. To our knowledge, this variant has not been reported in the literature or in a large population database (gnomAD), indicating this variant is rare. At this time, the clinical significance of this variant is uncertain due to the absence of conclusive functional and genetic evidence.

NM_001114753.3(ENG):c.1086G>T (p.Lys362Asn)

Gene: ENG (endoglin; minus strand). Cytogenetic location: 9q34.11.
Variant type: single nucleotide variant.
Coding change: c.1086G>T on transcript NM_001114753.3 (MANE Select); coding-DNA position 1086, G replaced by T.
Protein change: p.Lys362Asn; replaces lysine 362 with asparagine.
Molecular consequence: missense variant.
Genome position (GRCh38, 1-based): chr9:127,824,352, C>A on the plus strand (G>T on the coding strand, the complement: ENG is on the minus strand). VCF-style: chr9-127824352-C-A. GRCh37 (hg19) VCF-style: chr9-130586631-C-A.
Other names: c.1086G>T, p.Lys362Asn (NM_000118.4, NM_001406715.1); c.540G>T, p.Lys180Asn (NM_001278138.2); short protein forms K362N, K180N.
Identifiers: ClinVar variation 4995914 (VCV004995914.1).